The following is an entry in ClinVar:

NM_006129.5(BMP1):c.1765+23T>C

Genes: BMP1 (bone morphogenetic protein 1; plus strand), LOC113788269 (BRD4-independent group 4 enhancer GRCh37_chr8:22052064-22053263; plus strand). Cytogenetic location: 8p21.3.
Variant type: single nucleotide variant.
Coding change: c.1765+23T>C on transcript NM_006129.5 (MANE Select); 23 bases into the intron after coding-DNA position 1765, T replaced by C.
Molecular consequence: intron variant.
Genome position (GRCh38, 1-based): chr8:22,195,610, T>C. VCF-style: chr8-22195610-T-C. GRCh37 (hg19) VCF-style: chr8-22053123-T-C.
Other names: c.1765+23T>C (NM_001199.4).
Identifiers: ClinVar variation 674968 (VCV000674968.5), dbSNP rs4075478, ClinGen allele CA4664784.

ClinVar aggregate classification (germline): Benign. Review status: criteria provided, multiple submitters, no conflicts (2 of 4 stars). 3 submissions from 3 submitters: Benign (3). Last evaluated 2021-07-14.

Conditions:
Osteogenesis imperfecta type 13. Also called: OI, TYPE XIII; Osteogenesis imperfecta, type xiii. Identifiers: Orphanet 666, MedGen C3553887, MONDO:0013924, OMIM 614856.

Allele frequency attached by ClinVar (database versions not stated): ESP Exome Variant Server 0.43898; gnomAD 0.45955 and 0.46249; ExAC 0.42164; gnomAD exomes 0.42465; TOPMed 0.47164; 1000 Genomes Project 0.52296; 1000 Genomes Project 30x 0.52467.
gnomAD v4.1: 628,504 of 1,602,902 alleles (39%); highest among the groups gnomAD compares: African/African-American, 62%; 127,440 homozygotes.

Submissions (3):

Genome-Nilou Lab
Classification: Benign for Osteogenesis imperfecta type 13. Last evaluated: 2021-07-14. Review status: criteria provided, single submitter. Criteria: ACMG Guidelines, 2015. Collection method: clinical testing. Allele origin: germline. Affected: no.

GeneDx
Classification: Benign. Last evaluated: 2018-06-19. Review status: criteria provided, single submitter. Criteria: GeneDx Variant Classification (06012015). Collection method: clinical testing. Allele origin: germline. Affected: yes.
Comment: This variant is considered likely benign or benign based on one or more of the following criteria: it is a conservative change, it occurs at a poorly conserved position in the protein, it is predicted to be benign by multiple in silico algorithms, and/or has population frequency not consistent with disease.

Breakthrough Genomics
Classification: Benign. Review status: criteria provided, single submitter. Criteria: ACMG Guidelines, 2015. Collection method: not provided. Allele origin: germline. Inheritance: Autosomal recessive inheritance. Affected: yes.